The following is an entry in ClinVar:

NM_014874.4(MFN2):c.2219G>T (p.Trp740Leu)

Gene: MFN2 (mitofusin 2; plus strand). Cytogenetic location: 1p36.22.
Variant type: single nucleotide variant.
Coding change: c.2219G>T on transcript NM_014874.4 (MANE Select); coding-DNA position 2219, G replaced by T.
Protein change: p.Trp740Leu; replaces tryptophan 740 with leucine.
Molecular consequence: missense variant.
Genome position (GRCh38, 1-based): chr1:12,011,510, G>T. VCF-style: chr1-12011510-G-T. GRCh37 (hg19) VCF-style: chr1-12071567-G-T.
Other names: c.2219G>T, p.Trp740Leu (NM_001127660.2); short protein forms W740L.
Identifiers: ClinVar variation 2699913 (VCV002699913.3), dbSNP rs28940292, ClinGen allele CA338453874.

ClinVar aggregate classification (germline): Uncertain significance (1 of 4 stars; one submission).

Conditions:
Charcot-Marie-Tooth disease type 2. Also called: Charcot-Marie-Tooth type 2. Identifiers: Orphanet 64746, MedGen C0270914, MONDO:0018993.

Submission:

Labcorp Genetics (formerly Invitae), Labcorp
Classification: Uncertain significance for Charcot-Marie-Tooth disease type 2. Last evaluated: 2023-12-01. Review status: criteria provided, single submitter. Criteria: Invitae Variant Classification Sherloc (09022015). Collection method: clinical testing. Allele origin: germline.
Comment: This sequence change replaces tryptophan, which is neutral and slightly polar, with leucine, which is neutral and non-polar, at codon 740 of the MFN2 protein (p.Trp740Leu). This variant is not present in population databases (gnomAD no frequency). This variant has not been reported in the literature in individuals affected with MFN2-related conditions. Advanced modeling of protein sequence and biophysical properties (such as structural, functional, and spatial information, amino acid conservation, physicochemical variation, residue mobility, and thermodynamic stability) has been performed at Invitae for this missense variant, however the output from this modeling did not meet the statistical confidence thresholds required to predict the impact of this variant on MFN2 protein function. This variant disrupts the p.Trp740 amino acid residue in MFN2. Other variant(s) that disrupt this residue have been determined to be pathogenic (PMID: 15064763, 16714318, 21508331, 24126688, 25614874). This suggests that this residue is clinically significant, and that variants that disrupt this residue are likely to be disease-causing. In summary, the available evidence is currently insufficient to determine the role of this variant in disease. Therefore, it has been classified as a Variant of Uncertain Significance.

Literature cited by the submitters: PubMed 15064763; PubMed 16714318; PubMed 21508331; PubMed 24126688; PubMed 25614874.